The following is an entry in ClinVar:

NM_003114.5(SPAG1):c.2089C>T (p.Arg697Ter)

Gene: SPAG1 (sperm associated antigen 1; plus strand). Cytogenetic location: 8q22.2.
Variant type: single nucleotide variant.
Coding change: c.2089C>T on transcript NM_003114.5 (MANE Select); coding-DNA position 2089, C replaced by T.
Protein change: p.Arg697Ter; replaces arginine 697 with a stop codon.
Molecular consequence: nonsense.
Genome position (GRCh38, 1-based): chr8:100,233,511, C>T. VCF-style: chr8-100233511-C-T. GRCh37 (hg19) VCF-style: chr8-101245739-C-T.
Other names: c.2089C>T, p.Arg697Ter (NM_001374321.1, NM_172218.3); short protein forms R697*.
Identifiers: ClinVar variation 1188647 (VCV001188647.8), dbSNP rs1434601711, ClinGen allele CA371815883.

ClinVar aggregate classification (germline): Pathogenic. Review status: criteria provided, multiple submitters, no conflicts (2 of 4 stars). 3 submissions from 3 submitters: Pathogenic (3). Last evaluated 2025-09-01.

Conditions:
Primary ciliary dyskinesia 28. Also called: CILIARY DYSKINESIA, PRIMARY, 28, WITH OR WITHOUT SITUS INVERSUS. Identifiers: Orphanet 244, MedGen C3809706, MONDO:0014216, OMIM 615505.

Allele frequency attached by ClinVar (database versions not stated): gnomAD exomes below 0.00001; gnomAD 0.00001; TOPMed 0.00001.
gnomAD v4.1: 7 of 1,610,136 alleles (0.00043%); highest among the groups gnomAD compares: East Asian, 0.0022%; no homozygotes.

Submissions (3):

Labcorp Genetics (formerly Invitae), Labcorp
Classification: Pathogenic for Primary ciliary dyskinesia 28. Last evaluated: 2025-09-01. Review status: criteria provided, single submitter. Criteria: Invitae Variant Classification Sherloc (09022015). Collection method: clinical testing. Allele origin: germline.
Comment: This sequence change creates a premature translational stop signal (p.Arg697*) in the SPAG1 gene. It is expected to result in an absent or disrupted protein product. Loss-of-function variants in SPAG1 are known to be pathogenic (PMID: 24055112). This variant is not present in population databases (gnomAD no frequency). This premature translational stop signal has been observed in individual(s) with primary ciliary dyskinesia (PMID: 24055112). ClinVar contains an entry for this variant (Variation ID: 1188647). Algorithms developed to predict the effect of sequence changes on RNA splicing suggest that this variant may disrupt the consensus splice site. For these reasons, this variant has been classified as Pathogenic.

3billion
Classification: Pathogenic for Primary ciliary dyskinesia 28. Last evaluated: 2025-01-21. Review status: criteria provided, single submitter. Criteria: ACMG Guidelines, 2015. Collection method: clinical testing. Allele origin: germline. Affected: yes.
Comment: The variant is observed at an extremely low frequency in the gnomAD v4.1.0 dataset (total allele frequency: <0.001%). Predicted Consequence/Location: Stop-gained (nonsense): predicted to result in a loss or disruption of normal protein function through nonsense-mediated decay (NMD) or protein truncation. Multiple pathogenic variants are reported downstream of the variant. The variant has been reported at least twice as pathogenic without evidence for the classification (ClinVar ID: VCV001188647 /PMID: 24055112). Therefore, this variant is classified as Pathogenic according to the recommendation of ACMG/AMP guideline.

GeneDx
Classification: Pathogenic. Last evaluated: 2019-07-23. Review status: criteria provided, single submitter. Criteria: GeneDx Variant Classification Process June 2021. Collection method: clinical testing. Allele origin: germline. Affected: yes.
Comment: Nonsense variant predicted to result in protein truncation or nonsense mediated decay in a gene for which loss-of-function is a known mechanism of disease; Not observed in large population cohorts (Lek et al., 2016); This variant is associated with the following publications: (PMID: 24055112)

Literature cited by the submitters: PubMed 24055112 (cited by Labcorp Genetics (formerly Invitae), Labcorp and 3billion).